The following is an entry in ClinVar:

ClinVar aggregate classification (germline): Likely pathogenic (1 of 4 stars; one submission).

Conditions:
Thrombophilia, X-linked, due to factor 9 defect. Identifiers: MedGen C2749016, MONDO:0010432, OMIM 300807.
Hereditary factor IX deficiency disease (HEMB). Also called: Christmas Disease; F9 DEFICIENCY; FACTOR IX DEFICIENCY; PLASMA THROMBOPLASTIN COMPONENT DEFICIENCY; Hemophilia B. Identifiers: Orphanet 98879, MedGen C0008533, MeSH D002836, MONDO:0010604, OMIM 306900.

Submission:

Labcorp Genetics (formerly Invitae), Labcorp
Classification: Likely pathogenic for Thrombophilia, X-linked, due to factor 9 defect; Hereditary factor IX deficiency disease. Last evaluated: 2024-06-12. Review status: criteria provided, single submitter. Criteria: Invitae Variant Classification Sherloc (09022015). Collection method: clinical testing. Allele origin: germline.
Comment: This sequence change replaces glycine, which is neutral and non-polar, with valine, which is neutral and non-polar, at codon 105 of the F9 protein (p.Gly105Val). This variant is not present in population databases (gnomAD no frequency). This missense change has been observed in individuals with Hemophilia B (PMID: 7937052, 24219067). This variant is also known as G10428T or G59V. Advanced modeling of protein sequence and biophysical properties (such as structural, functional, and spatial information, amino acid conservation, physicochemical variation, residue mobility, and thermodynamic stability) performed at Invitae indicates that this missense variant is not expected to disrupt F9 protein function with a negative predictive value of 80%. Algorithms developed to predict the effect of sequence changes on RNA splicing suggest that this variant may disrupt the consensus splice site. This variant disrupts the p.Gly105 amino acid residue in F9. Other variant(s) that disrupt this residue have been observed in individuals with F9-related conditions (PMID: 10739381, 24219067), which suggests that this may be a clinically significant amino acid residue. In summary, the currently available evidence indicates that the variant is pathogenic, but additional data are needed to prove that conclusively. Therefore, this variant has been classified as Likely Pathogenic.

Literature cited by the submitters: PubMed 7937052; PubMed 24219067; PubMed 10739381.

NM_000133.4(F9):c.314G>T (p.Gly105Val)

Gene: F9 (coagulation factor IX; plus strand). Cytogenetic location: Xq27.1.
Variant type: single nucleotide variant.
Coding change: c.314G>T on transcript NM_000133.4 (MANE Select); coding-DNA position 314, G replaced by T.
Protein change: p.Gly105Val; replaces glycine 105 with valine.
Molecular consequence: missense variant. On other transcripts: intron variant (1).
Genome position (GRCh38, 1-based): chrX:139,541,112, G>T. VCF-style: chrX-139541112-G-T. GRCh37 (hg19) VCF-style: chrX-138623271-G-T.
Other names: c.277+3726G>T (NM_001313913.2); short protein forms G105V.
Identifiers: ClinVar variation 3759689 (VCV003759689.2).